The following is an entry in ClinVar:

ClinVar aggregate classification (germline): Conflicting classifications of pathogenicity. Review status: criteria provided, conflicting classifications (1 of 4 stars). 9 submissions from 7 submitters: Uncertain significance (2); Benign (3); Likely benign (4). Last evaluated 2026-01-17.

Conditions:
COL1A1-related disorder. Also called: COL1A1- related disease; COL1A1-related condition.
Cardiovascular phenotype. Identifiers: MedGen CN230736.
Infantile cortical hyperostosis. Also called: Hyperostosis, Cortical, Congenital; P1PK BLOOD GROUP SYSTEM, P(2) PHENOTYPE; Caffey Disease. Identifiers: Orphanet 1310, MedGen C0020497, MONDO:0007244, OMIM 114000.
Osteogenesis imperfecta type I (OI1). Also called: Lobstein disease; OI, TYPE I; OSTEOGENESIS IMPERFECTA TARDA; OSTEOGENESIS IMPERFECTA WITH BLUE SCLERAE; Classic Non-deforming Osteogenesis Imperfecta with Blue Sclerae; Osteogenesis imperfecta type 1. Identifiers: Orphanet 216796, Orphanet 666, MedGen C0023931, MONDO:0008146, OMIM 166200. Disease mechanism: loss of function.
Osteogenesis imperfecta (OI). Identifiers: Orphanet 666, MedGen C0029434, MeSH D010013, MONDO:0019019.
Ehlers-Danlos syndrome, arthrochalasia type. Also called: Ehlers-Danlos syndrome, arthrochalasis type; Ehlers-Danlos syndrome, arthrochalasia type, 1; ARTHROCHALASIS MULTIPLEX CONGENITA; EDS VII, MUTANT PROCOLLAGEN TYPE; EDS VIIA. Identifiers: Orphanet 1899, Orphanet 99875, Orphanet 99876, MedGen C4551623, MONDO:0007525, OMIM 130060.

Allele frequency attached by ClinVar (database versions not stated): gnomAD below 0.00001 and 0.00013; TOPMed 0.00002; gnomAD exomes 0.00021 and 0.00047; ExAC 0.00050; 1000 Genomes Project 30x 0.00078; 1000 Genomes Project 0.00080.
gnomAD v4.1: 319 of 1,614,008 alleles (0.02%); highest among the groups gnomAD compares: South Asian, 0.33%; 4 homozygotes.

Submissions (9):

Labcorp Genetics (formerly Invitae), Labcorp
Classification: Benign for Osteogenesis imperfecta type I. Last evaluated: 2026-01-17. Review status: criteria provided, single submitter. Criteria: Invitae Variant Classification Sherloc (09022015). Collection method: clinical testing. Allele origin: germline.

PreventionGenetics, part of Exact Sciences
Classification: Uncertain significance for COL1A1-related condition. Last evaluated: 2026-01-10. Review status: criteria provided, single submitter. Criteria: ACMG Guidelines, 2015. Collection method: clinical testing. Allele origin: germline.
Comment: The COL1A1 c.2168C>T variant is predicted to result in the amino acid substitution p.Ala723Val. This variant has been reported in an individual with osteogenesis imperfecta (Table II, Stephen et al. 2014. PubMed ID: 24668929). This variant is reported in 0.38% of alleles in individuals of South Asian descent in gnomAD, which is higher than expected for variant causative in autosomal dominant disorder. Although we suspect that this variant may be benign, at this time, the clinical significance of this variant is uncertain due to the absence of conclusive functional and genetic evidence.

Ambry Genetics
Classification: Likely benign for Cardiovascular phenotype. Last evaluated: 2025-02-19. Review status: criteria provided, single submitter. Criteria: Ambry Variant Classification Scheme 2023. Collection method: clinical testing. Allele origin: germline.

Women's Health and Genetics/Laboratory Corporation of America, LabCorp
Classification: Likely benign. Last evaluated: 2024-07-09. Review status: criteria provided, single submitter. Criteria: LabCorp Variant Classification Summary - May 2015. Collection method: clinical testing. Allele origin: germline.

Blueprint Genetics
Classification: Likely benign. Last evaluated: 2023-11-10. Review status: criteria provided, single submitter. Criteria: ACMG Guidelines, 2015. Collection method: clinical testing. Allele origin: germline.

Genome Diagnostics Laboratory, The Hospital for Sick Children
Classification: Likely benign for Osteogenesis imperfecta. Last evaluated: 2020-05-01. Review status: criteria provided, single submitter. Criteria: ACMG Guidelines, 2015. Collection method: clinical testing. Allele origin: germline.

Illumina Laboratory Services, Illumina
Classification: Uncertain significance for Infantile cortical hyperostosis. Last evaluated: 2017-04-28. Review status: criteria provided, single submitter. Criteria: ICSL Variant Classification Criteria 13 December 2019. Collection method: clinical testing. Allele origin: germline.

Illumina Laboratory Services, Illumina
Classification: Benign for Ehlers-Danlos syndrome, arthrochalasia type. Last evaluated: 2017-04-28. Review status: criteria provided, single submitter. Criteria: ICSL Variant Classification Criteria 13 December 2019. Collection method: clinical testing. Allele origin: germline.
Comment: This variant was observed as part of a predisposition screen in an ostensibly healthy population. A literature search was performed for the gene, cDNA change, and amino acid change (where applicable). No publications were found based on this search. Allele frequency data from public databases was too high to be consistent with this variant causing disease. Therefore, this variant is classified as benign.

Illumina Laboratory Services, Illumina
Classification: Benign for Osteogenesis imperfecta. Last evaluated: 2017-04-28. Review status: criteria provided, single submitter. Criteria: ICSL Variant Classification Criteria 13 December 2019. Collection method: clinical testing. Allele origin: germline.
Comment: This variant was observed as part of a predisposition screen in an ostensibly healthy population. A literature search was performed for the gene, cDNA change, and amino acid change (where applicable). Publications were found based on this search. The evidence from the literature, in combination with allele frequency data from public databases where available, was sufficient to rule this variant out of causing disease. Therefore, this variant is classified as benign.

Literature cited by the submitters: PubMed 24668929 (cited by Ambry Genetics and Illumina Laboratory Services, Illumina).

NM_000088.4(COL1A1):c.2168C>T (p.Ala723Val)

Gene: COL1A1 (collagen type I alpha 1 chain; minus strand). Cytogenetic location: 17q21.33.
Variant type: single nucleotide variant.
Coding change: c.2168C>T on transcript NM_000088.4 (MANE Select); coding-DNA position 2168, C replaced by T.
Protein change: p.Ala723Val; replaces alanine 723 with valine.
Molecular consequence: missense variant.
Genome position (GRCh38, 1-based): chr17:50,191,450, G>A on the plus strand (C>T on the coding strand, the complement: COL1A1 is on the minus strand). VCF-style: chr17-50191450-G-A. GRCh37 (hg19) VCF-style: chr17-48268811-G-A.
Other names: short protein forms A723V.
Identifiers: ClinVar variation 707289 (VCV000707289.21), dbSNP rs561374961, ClinGen allele CA8644912.